The following is an entry in ClinVar:

ClinVar aggregate classification (germline): Uncertain significance (1 of 4 stars; one submission).

Submission:

Labcorp Genetics (formerly Invitae), Labcorp
Classification: Uncertain significance. Last evaluated: 2023-10-18. Review status: criteria provided, single submitter. Criteria: Invitae Variant Classification Sherloc (09022015). Collection method: clinical testing. Allele origin: germline.
Comment: This sequence change replaces glycine, which is neutral and non-polar, with alanine, which is neutral and non-polar, at codon 597 of the CARMIL2 protein (p.Gly597Ala). This variant is not present in population databases (gnomAD no frequency). This variant has not been reported in the literature in individuals affected with CARMIL2-related conditions. Advanced modeling of protein sequence and biophysical properties (such as structural, functional, and spatial information, amino acid conservation, physicochemical variation, residue mobility, and thermodynamic stability) performed at Invitae indicates that this missense variant is not expected to disrupt CARMIL2 protein function. In summary, the available evidence is currently insufficient to determine the role of this variant in disease. Therefore, it has been classified as a Variant of Uncertain Significance.

NM_001013838.3(CARMIL2):c.1790G>C (p.Gly597Ala)

Gene: CARMIL2 (capping protein regulator and myosin 1 linker 2; plus strand). Cytogenetic location: 16q22.1.
Variant type: single nucleotide variant.
Coding change: c.1790G>C on transcript NM_001013838.3 (MANE Select); coding-DNA position 1790, G replaced by C.
Protein change: p.Gly597Ala; replaces glycine 597 with alanine.
Molecular consequence: missense variant.
Genome position (GRCh38, 1-based): chr16:67,649,490, G>C. VCF-style: chr16-67649490-G-C. GRCh37 (hg19) VCF-style: chr16-67683393-G-C.
Other names: c.1682G>C, p.Gly561Ala (NM_001317026.3); short protein forms G561A, G597A.
Identifiers: ClinVar variation 2769964 (VCV002769964.3), dbSNP rs2543553647, ClinGen allele CA396337669.